The following is an entry in ClinVar:

ClinVar aggregate classification (germline): Uncertain significance (1 of 4 stars; one submission).

Submission:

Labcorp Genetics (formerly Invitae), Labcorp
Classification: Uncertain significance. Last evaluated: 2024-10-22. Review status: criteria provided, single submitter. Criteria: Invitae Variant Classification Sherloc (09022015). Collection method: clinical testing. Allele origin: germline.
Comment: This sequence change replaces methionine, which is neutral and non-polar, with arginine, which is basic and polar, at codon 598 of the ATP2A2 protein (p.Met598Arg). This variant is not present in population databases (gnomAD no frequency). This variant has not been reported in the literature in individuals affected with ATP2A2-related conditions. Invitae Evidence Modeling of protein sequence and biophysical properties (such as structural, functional, and spatial information, amino acid conservation, physicochemical variation, residue mobility, and thermodynamic stability) indicates that this missense variant is expected to disrupt ATP2A2 protein function with a positive predictive value of 80%. In summary, the available evidence is currently insufficient to determine the role of this variant in disease. Therefore, it has been classified as a Variant of Uncertain Significance.

NM_170665.4(ATP2A2):c.1793T>G (p.Met598Arg)

Genes: ATP2A2 (ATPase sarcoplasmic/endoplasmic reticulum Ca2+ transporting 2; plus strand), LOC126861637 (MED14-independent group 3 enhancer GRCh37_chr12:110778306-110779505; plus strand). Cytogenetic location: 12q24.11.
Variant type: single nucleotide variant.
Coding change: c.1793T>G on transcript NM_170665.4 (MANE Select); coding-DNA position 1793, T replaced by G.
Protein change: p.Met598Arg; replaces methionine 598 with arginine.
Molecular consequence: missense variant.
Genome position (GRCh38, 1-based): chr12:110,340,690, T>G. VCF-style: chr12-110340690-T-G. GRCh37 (hg19) VCF-style: chr12-110778495-T-G.
Other names: c.1688T>G, p.Met563Arg (NM_001413013.1); c.1793T>G, p.Met598Arg (NM_001413014.1, NM_001681.4); c.1418T>G, p.Met473Arg (NM_001413015.1); short protein forms M473R, M598R, M563R.
Identifiers: ClinVar variation 3702574 (VCV003702574.2).